The following is an entry in ClinVar:

NM_001127644.2(GABRA1):c.1202A>G (p.Lys401Arg)

Gene: GABRA1 (gamma-aminobutyric acid type A receptor subunit alpha1; plus strand). Cytogenetic location: 5q34.
Variant type: single nucleotide variant.
Coding change: c.1202A>G on transcript NM_001127644.2 (MANE Select); coding-DNA position 1202, A replaced by G.
Protein change: p.Lys401Arg; replaces lysine 401 with arginine.
Molecular consequence: missense variant.
Genome position (GRCh38, 1-based): chr5:161,897,253, A>G. VCF-style: chr5-161897253-A-G. GRCh37 (hg19) VCF-style: chr5-161324259-A-G.
Other names: c.1202A>G, p.Lys401Arg (NM_001127645.2, NM_001127648.2, NM_000806.5 and 1 more transcripts); short protein forms K401R.
Identifiers: ClinVar variation 1372392 (VCV001372392.7), dbSNP rs745362654, ClinGen allele CA3544592.
Genomic context (GRCh38, chr5:161,897,253, plus strand): 5'-GGGGCGACCCGGGCTTAGCCACCATTGCTAAAAGTGCAACCATAGAACCTAAAGAGGTCA[A>G]GCCCGAAACAAAACCACCAGAACCCAAGAAAACCTTTAACAGTGTCAGCAAAATTGACCG-3'
Protein context (NP_001121116.1, residues 391-411): KSATIEPKEV[Lys401Arg]PETKPPEPKK

ClinVar aggregate classification (germline): Uncertain significance. Review status: criteria provided, multiple submitters, no conflicts (2 of 4 stars). 2 submissions from 2 submitters: Uncertain significance (2). Last evaluated 2023-05-22.

Conditions:
Epilepsy, idiopathic generalized, susceptibility to, 13. Also called: EPILEPSY, JUVENILE MYOCLONIC, SUSCEPTIBILITY TO, 5. Identifiers: Orphanet 307, Orphanet 64280, MedGen C4013473, MONDO:0012627, OMIM 611136.
Epilepsy, childhood absence 4 (ECA4). Also called: EPILEPSY, CHILDHOOD ABSENCE, SUSCEPTIBILITY TO, 4. Identifiers: Orphanet 307, MedGen C1970160.
Idiopathic generalized epilepsy. Also called: Generalised epilepsy; EIG. Identifiers: MedGen C0270850, MONDO:0005579, OMIM 600669.

Allele frequency attached by ClinVar (database versions not stated): ExAC 0.00001; TOPMed 0.00001.
gnomAD v4.1: 15 of 1,614,216 alleles (0.00093%); highest among the groups gnomAD compares: Non-Finnish European, 0.0013%; no homozygotes.

Submissions (2):

Labcorp Genetics (formerly Invitae), Labcorp
Classification: Uncertain significance for Epilepsy, childhood absence 4; Epilepsy, idiopathic generalized, susceptibility to, 13; Idiopathic generalized epilepsy. Last evaluated: 2023-05-22. Review status: criteria provided, single submitter. Criteria: Invitae Variant Classification Sherloc (09022015). Collection method: clinical testing. Allele origin: germline.
Comment: Advanced modeling of protein sequence and biophysical properties (such as structural, functional, and spatial information, amino acid conservation, physicochemical variation, residue mobility, and thermodynamic stability) performed at Invitae indicates that this missense variant is not expected to disrupt GABRA1 protein function. This sequence change replaces lysine, which is basic and polar, with arginine, which is basic and polar, at codon 401 of the GABRA1 protein (p.Lys401Arg). This variant is present in population databases (rs745362654, gnomAD 0.002%). This variant has not been reported in the literature in individuals affected with GABRA1-related conditions. ClinVar contains an entry for this variant (Variation ID: 1372392). In summary, the available evidence is currently insufficient to determine the role of this variant in disease. Therefore, it has been classified as a Variant of Uncertain Significance.

Blueprint Genetics
Classification: Uncertain significance. Last evaluated: 2022-11-11. Review status: criteria provided, single submitter. Criteria: ACMG Guidelines, 2015. Collection method: clinical testing. Allele origin: germline.